The following is an entry in ClinVar:

ClinVar aggregate classification (germline): Benign. Review status: criteria provided, single submitter (1 of 4 stars). 2 submissions from 2 submitters: Benign (1). 1 of the submissions does not count toward it. Last evaluated 2024-10-01.

Conditions:
TTC21A-related disorder. Also called: TTC21A-related condition.

Allele frequency attached by ClinVar (database versions not stated): 1000 Genomes Project 0.00379; 1000 Genomes Project 30x 0.00406; ExAC 0.00880; gnomAD 0.00907; TOPMed 0.00957; ESP Exome Variant Server 0.01119; gnomAD exomes 0.01152.

Submissions (2):

CeGaT Center for Human Genetics Tuebingen
Classification: Benign. Last evaluated: 2024-10-01. Review status: criteria provided, single submitter. Criteria: CeGaT Center For Human Genetics Tuebingen Variant Classification Criteria Version 2. Collection method: clinical testing. Allele origin: germline. Affected: yes. Observed: 1 variant allele.
Comment: TTC21A: BP4, BP7, BS1, BS2

PreventionGenetics, part of Exact Sciences
Classification: Benign for TTC21A-related condition. Last evaluated: 2019-10-31. Review status: no assertion criteria provided. Collection method: clinical testing. Allele origin: germline. Not counted in ClinVar's aggregate classification.
Comment: This variant is classified as benign based on ACMG/AMP sequence variant interpretation guidelines (Richards et al. 2015 PMID: 25741868, with internal and published modifications).

NM_001366900.1(TTC21A):c.3777T>C (p.His1259=)

Gene: TTC21A (tetratricopeptide repeat domain 21A; plus strand). Cytogenetic location: 3p22.2.
Variant type: single nucleotide variant.
Coding change: c.3777T>C on transcript NM_001366900.1 (MANE Select); coding-DNA position 3777, T replaced by C.
Protein change: p.His1259=; no amino-acid change (histidine 1259 retained).
Molecular consequence: synonymous variant. On other transcripts: non-coding transcript variant (3).
Genome position (GRCh38, 1-based): chr3:39,138,368, T>C. VCF-style: chr3-39138368-T-C. GRCh37 (hg19) VCF-style: chr3-39179859-T-C.
Other names: c.3654T>C, p.His1218= (NM_001105513.3); c.3801T>C, p.His1267= (NM_001366899.1); c.3798T>C, p.His1266= (NM_145755.3).
Identifiers: ClinVar variation 3041225 (VCV003041225.16), dbSNP rs77110687, ClinGen allele CA2325139.
Genomic context (GRCh38, chr3:39,138,368, plus strand): 5'-GAAGGAGCAGTCCTACAAGGATGCAGTCACCAACTACAAACTGGCCTGGAAGTACAGTCA[T>C]CACGCCAACCCTGCCATTGGTAAGGCAACCAGCCAGGGTGCACGTGAATGGACGTGGGAG-3'
Protein context (NP_001353829.1, residues 1249-1269): TNYKLAWKYS[His1259=]HANPAIGFKL